The following is an entry in ClinVar:

NM_001042492.3(NF1):c.5361A>C (p.Glu1787Asp)

Gene: NF1 (neurofibromin 1; plus strand). Cytogenetic location: 17q11.2.
Variant type: single nucleotide variant.
Coding change: c.5361A>C on transcript NM_001042492.3 (MANE Select); coding-DNA position 5361, A replaced by C.
Protein change: p.Glu1787Asp; replaces glutamic acid 1787 with aspartic acid.
Molecular consequence: missense variant.
Genome position (GRCh38, 1-based): chr17:31,327,591, A>C. VCF-style: chr17-31327591-A-C. GRCh37 (hg19) VCF-style: chr17-29654609-A-C.
Other names: c.5298A>C, p.Glu1766Asp (NM_000267.4); short protein forms E1766D, E1787D.
Identifiers: ClinVar variation 1063729 (VCV001063729.5), dbSNP rs2151541092, ClinGen allele CA399009263.
Genomic context (GRCh38, chr17:31,327,591, plus strand): 5'-AGAGCGAACAAAAGTCCTAGGGCAATCAGTCTTTCTAAATGACATTTATTATGCTTCGGA[A>C]ATTGAAGAAATCTGCCTAGTAGATGAGAACCAGTTCACCTTAACCATTGCAAACCAGGGC-3'
Protein context (NP_001035957.1, residues 1777-1797): VFLNDIYYAS[Glu1787Asp]IEEICLVDEN

ClinVar aggregate classification (germline): Uncertain significance (1 of 4 stars; one submission).

Conditions:
Neurofibromatosis, type 1 (NF1). Also called: NEUROFIBROMATOSIS, TYPE I, SOMATIC; Neurofibromatosis, type I; VON RECKLINGHAUSEN DISEASE; Peripheral type neurofibromatosis. Identifiers: Orphanet 636, MedGen C0027831, MONDO:0018975, OMIM 162200. Disease mechanism: loss of function.

Submission:

Labcorp Genetics (formerly Invitae), Labcorp
Classification: Uncertain significance for Neurofibromatosis, type 1. Last evaluated: 2020-04-21. Review status: criteria provided, single submitter. Criteria: Invitae Variant Classification Sherloc (09022015). Collection method: clinical testing. Allele origin: germline.
Comment: This sequence change replaces glutamic acid with aspartic acid at codon 1766 of the NF1 protein (p.Glu1766Asp). The glutamic acid residue is moderately conserved and there is a small physicochemical difference between glutamic acid and aspartic acid. This variant is not present in population databases (ExAC no frequency). This variant has not been reported in the literature in individuals with NF1-related conditions. Algorithms developed to predict the effect of missense changes on protein structure and function are either unavailable or do not agree on the potential impact of this missense change (SIFT: "Tolerated"; PolyPhen-2: "Probably Damaging"; Align-GVGD: "Class C0"). In summary, the available evidence is currently insufficient to determine the role of this variant in disease. Therefore, it has been classified as a Variant of Uncertain Significance.